The following is an entry in ClinVar:

NM_006231.4(POLE):c.1176C>T (p.Asp392=)

Gene: POLE (DNA polymerase epsilon, catalytic subunit; minus strand). Cytogenetic location: 12q24.33.
Variant type: single nucleotide variant.
Coding change: c.1176C>T on transcript NM_006231.4 (MANE Select); coding-DNA position 1176, C replaced by T.
Protein change: p.Asp392=; no amino-acid change (aspartic acid 392 retained).
Molecular consequence: synonymous variant.
Genome position (GRCh38, 1-based): chr12:132,675,448, G>A on the plus strand (C>T on the coding strand, the complement: POLE is on the minus strand). VCF-style: chr12-132675448-G-A. GRCh37 (hg19) VCF-style: chr12-133252034-G-A.
Other names: c.1176C>T (NM_006231.2).
Identifiers: ClinVar variation 2047847 (VCV002047847.6), dbSNP rs752873913, ClinGen allele CA482849668.

ClinVar aggregate classification (germline): Benign/Likely benign. Review status: criteria provided, multiple submitters, no conflicts (2 of 4 stars). 3 submissions from 3 submitters: Benign (1); Likely benign (2). Last evaluated 2025-12-29.

Conditions:
Hereditary cancer-predisposing syndrome. Also called: Neoplastic Syndromes, Hereditary; Tumor predisposition; Hereditary Cancer Syndrome; Hereditary neoplastic syndrome. Identifiers: Orphanet 140162, MedGen C0027672, MeSH D009386, MONDO:0015356.
Colorectal cancer, susceptibility to, 12 (CRCS12). Also called: COLORECTAL CANCER, SUSCEPTIBILITY TO, ON CHROMOSOME 12q24. Identifiers: Orphanet 220460, MedGen C3554460, MONDO:0014038, OMIM 615083.

Submissions (3):

Ambry Genetics
Classification: Likely benign for Hereditary cancer-predisposing syndrome. Last evaluated: 2025-12-29. Review status: criteria provided, single submitter. Criteria: Ambry Variant Classification Scheme 2023. Collection method: clinical testing. Allele origin: germline.

Labcorp Genetics (formerly Invitae), Labcorp
Classification: Likely benign. Last evaluated: 2025-05-19. Review status: criteria provided, single submitter. Criteria: Invitae Variant Classification Sherloc (09022015). Collection method: clinical testing. Allele origin: germline.

Myriad Genetics, Inc.
Classification: Benign for Colorectal cancer, susceptibility to, 12. Last evaluated: 2025-02-10. Review status: criteria provided, single submitter. Criteria: Myriad Autosomal Dominant, Autosomal Recessive and X-Linked Classification Criteria (2023). Collection method: clinical testing. Allele origin: unknown.
Comment: This variant is considered benign. This variant is a silent/synonymous amino acid change and it is not expected to impact splicing.